The following is an entry in ClinVar:

NM_002755.4(MAP2K1):c.438+4T>A

Gene: MAP2K1 (mitogen-activated protein kinase kinase 1; plus strand). Cytogenetic location: 15q22.31.
Variant type: single nucleotide variant.
Coding change: c.438+4T>A on transcript NM_002755.4 (MANE Select); 4 bases into the intron after coding-DNA position 438, T replaced by A.
Molecular consequence: intron variant.
Genome position (GRCh38, 1-based): chr15:66,436,896, T>A. VCF-style: chr15-66436896-T-A. GRCh37 (hg19) VCF-style: chr15-66729234-T-A.
Identifiers: ClinVar variation 2167262 (VCV002167262.4), dbSNP rs1567009802, ClinGen allele CA2184072553.

ClinVar aggregate classification (germline): Uncertain significance (1 of 4 stars; one submission).

Conditions:
RASopathy. Also called: Noonan spectrum disorder; rasopathies. Identifiers: Orphanet 536391, MedGen C5555857, MONDO:0021060.

Allele frequency attached by ClinVar (database versions not stated): gnomAD exomes below 0.00001.
gnomAD v4.1: 2 of 1,614,106 alleles (0.00012%); highest among the groups gnomAD compares: South Asian, 0.0022%; no homozygotes.

Submission:

Labcorp Genetics (formerly Invitae), Labcorp
Classification: Uncertain significance for RASopathy. Last evaluated: 2022-08-18. Review status: criteria provided, single submitter. Criteria: Invitae Variant Classification Sherloc (09022015). Collection method: clinical testing. Allele origin: germline.
Comment: In summary, the available evidence is currently insufficient to determine the role of this variant in disease. Therefore, it has been classified as a Variant of Uncertain Significance. This sequence change falls in intron 3 of the MAP2K1 gene. It does not directly change the encoded amino acid sequence of the MAP2K1 protein. It affects a nucleotide within the consensus splice site. This variant is not present in population databases (gnomAD no frequency). This variant has not been reported in the literature in individuals affected with MAP2K1-related conditions. Variants that disrupt the consensus splice site are a relatively common cause of aberrant splicing (PMID: 17576681, 9536098). Algorithms developed to predict the effect of sequence changes on RNA splicing suggest that this variant is not likely to affect RNA splicing.

Literature cited by the submitters: PubMed 17576681; PubMed 9536098.